The following is an entry in ClinVar:

ClinVar aggregate classification (germline): Likely pathogenic (1 of 4 stars; one submission).

Allele frequency attached by ClinVar (database versions not stated): TOPMed 0.00001; gnomAD 0.00001; gnomAD exomes 0.00003.

Submission:

Labcorp Genetics (formerly Invitae), Labcorp
Classification: Likely pathogenic. Last evaluated: 2023-04-25. Review status: criteria provided, single submitter. Criteria: Invitae Variant Classification Sherloc (09022015). Collection method: clinical testing. Allele origin: germline.
Comment: In summary, the currently available evidence indicates that the variant is pathogenic, but additional data are needed to prove that conclusively. Therefore, this variant has been classified as Likely Pathogenic. Algorithms developed to predict the effect of sequence changes on RNA splicing suggest that this variant may disrupt the consensus splice site. This variant has not been reported in the literature in individuals affected with PET100-related conditions. The frequency data for this variant in the population databases is considered unreliable, as metrics indicate poor data quality at this position in the gnomAD database. This variant results in the deletion of part of exon 1 (c.23_27+4del) of the PET100 gene. It is expected to disrupt RNA splicing. Variants that disrupt the donor or acceptor splice site typically lead to a loss of protein function (PMID: 16199547), and loss-of-function variants in PET100 are known to be pathogenic (PMID: 24462369, 25293719, 31406627).

Literature cited by the submitters: PubMed 16199547; PubMed 24462369; PubMed 25293719; PubMed 31406627.

NM_001171155.2(PET100):c.23_27+4del

Genes: PET100 (PET100 cytochrome c oxidase chaperone; plus strand), STXBP2 (syntaxin binding protein 2; plus strand), LOC130063380 (ATAC-STARR-seq lymphoblastoid active region 13889; plus strand). Cytogenetic location: 19p13.2.
Variant type: Deletion.
Coding change: c.23_27+4del on transcript NM_001171155.2 (MANE Select); coding-DNA position 23 through 4 bases into the intron after coding-DNA position 27, 9 bases deleted (TTCGGGTCA; older notation c.23_27+4delTTCGGGTCA).
Molecular consequence: splice donor variant.
Genome position (GRCh38, 1-based): chr19:7,629,856-7,629,864, TTCGGGTCA deleted. VCF-style (leftmost placement, unchanged base first): chr19-7629855-TTTCGGGTCA-T. GRCh37 (hg19) VCF-style: chr19-7694741-TTTCGGGTCA-T.
Other names: c.-175_-171+4del (NM_001414484.1).
Identifiers: ClinVar variation 2967109 (VCV002967109.3), dbSNP rs1399240553, ClinGen allele CA505231273.